The following is an entry in ClinVar:

ClinVar aggregate classification (germline): Uncertain significance. Review status: criteria provided, multiple submitters, no conflicts (2 of 4 stars). 2 submissions from 2 submitters: Uncertain significance (2). Last evaluated 2022-11-20.

Conditions:
Cardiovascular phenotype. Identifiers: MedGen CN230736.

Allele frequency attached by ClinVar (database versions not stated): TOPMed 0.00003; gnomAD 0.00004; gnomAD exomes 0.00005; ExAC 0.00006.
gnomAD v4.1: 85 of 1,610,614 alleles (0.0053%); highest among the groups gnomAD compares: Non-Finnish European, 0.0068%; no homozygotes.

Submissions (2):

Ambry Genetics
Classification: Uncertain significance for Cardiovascular phenotype. Last evaluated: 2022-11-20. Review status: criteria provided, single submitter. Criteria: Ambry Variant Classification Scheme 2023. Collection method: clinical testing. Allele origin: germline.
Comment: The p.A12V variant (also known as c.35C>T), located in coding exon 1 of the LPL gene, results from a C to T substitution at nucleotide position 35. The alanine at codon 12 is replaced by valine, an amino acid with similar properties. This amino acid position is conserved. In addition, this alteration is predicted to be tolerated by in silico analysis. Since supporting evidence is limited at this time, the clinical significance of this alteration remains unclear.

Labcorp Genetics (formerly Invitae), Labcorp
Classification: Uncertain significance. Last evaluated: 2021-09-17. Review status: criteria provided, single submitter. Criteria: Invitae Variant Classification Sherloc (09022015). Collection method: clinical testing. Allele origin: germline.
Comment: This sequence change replaces alanine with valine at codon 12 of the LPL protein (p.Ala12Val). The alanine residue is weakly conserved and there is a small physicochemical difference between alanine and valine. This variant is present in population databases (rs758119828, ExAC 0.01%). This variant has not been reported in the literature in individuals affected with LPL-related conditions. Algorithms developed to predict the effect of missense changes on protein structure and function (SIFT, PolyPhen-2, Align-GVGD) all suggest that this variant is likely to be tolerated. In summary, the available evidence is currently insufficient to determine the role of this variant in disease. Therefore, it has been classified as a Variant of Uncertain Significance.

NM_000237.3(LPL):c.35C>T (p.Ala12Val)

Gene: LPL (lipoprotein lipase; plus strand). Cytogenetic location: 8p21.3.
Variant type: single nucleotide variant.
Coding change: c.35C>T on transcript NM_000237.3 (MANE Select); coding-DNA position 35, C replaced by T.
Protein change: p.Ala12Val; replaces alanine 12 with valine.
Molecular consequence: missense variant.
Genome position (GRCh38, 1-based): chr8:19,939,475, C>T. VCF-style: chr8-19939475-C-T. GRCh37 (hg19) VCF-style: chr8-19796986-C-T.
Other names: c.35C>T (NM_000237.2); short protein forms A12V.
Identifiers: ClinVar variation 2153588 (VCV002153588.3), dbSNP rs758119828, ClinGen allele CA4655262.